The following is an entry in ClinVar:

ClinVar aggregate classification (germline): Uncertain significance (1 of 4 stars; one submission).

Conditions:
Joubert syndrome 14 (JBTS14). Identifiers: MedGen C3280766, MONDO:0013745, OMIM 614424.

Allele frequency attached by ClinVar (database versions not stated): gnomAD exomes below 0.00001 and 0.00001; ExAC 0.00002; TOPMed 0.00002; gnomAD 0.00003.
gnomAD v4.1: 6 of 1,549,512 alleles (0.00039%); highest among the groups gnomAD compares: Non-Finnish European, 0.00052%; no homozygotes.

Submission:

Labcorp Genetics (formerly Invitae), Labcorp
Classification: Uncertain significance for Joubert syndrome 14. Last evaluated: 2021-07-19. Review status: criteria provided, single submitter. Criteria: Invitae Variant Classification Sherloc (09022015). Collection method: clinical testing. Allele origin: germline.
Comment: This sequence change falls in intron 9 of the TMEM237 gene. It does not directly change the encoded amino acid sequence of the TMEM237 protein, but it affects a nucleotide within the consensus splice site of the intron. This variant is present in population databases (rs771107990, ExAC 0.004%). This variant has not been reported in the literature in individuals with TMEM237-related conditions. Nucleotide substitutions within the consensus splice site are a relatively common cause of aberrant splicing (PMID: 17576681, 9536098). Algorithms developed to predict the effect of sequence changes on RNA splicing suggest that this variant may disrupt the consensus splice site, but this prediction has not been confirmed by published transcriptional studies. In summary, the available evidence is currently insufficient to determine the role of this variant in disease. Therefore, it has been classified as a Variant of Uncertain Significance.

Literature cited by the submitters: PubMed 17576681; PubMed 9536098.

NM_001044385.3(TMEM237):c.869+4A>G

Gene: TMEM237 (transmembrane protein 237; minus strand). Cytogenetic location: 2q33.1.
Variant type: single nucleotide variant.
Coding change: c.869+4A>G on transcript NM_001044385.3 (MANE Select); 4 bases into the intron after coding-DNA position 869, A replaced by G.
Molecular consequence: intron variant.
Genome position (GRCh38, 1-based): chr2:201,629,226, T>C on the plus strand (A>G on the coding strand, the complement: TMEM237 is on the minus strand). VCF-style: chr2-201629226-T-C. GRCh37 (hg19) VCF-style: chr2-202493949-T-C.
Other names: c.845+4A>G (NM_152388.4).
Identifiers: ClinVar variation 999832 (VCV000999832.4), dbSNP rs771107990, ClinGen allele CA2056384.
Genomic context (GRCh38, chr2:201,629,226, plus strand): 5'-TGACACATTTTGCTCAGCATTTCCTCCTGAAGAAGTTAGACAGATCTGGAGTCATAGGCA[T>C]TACCTGTCAAAAGCTGAAATTGTACTCAGAGCCAAAAGCAAGTACAGAAGACTCTGGAAT-3'